The following is an entry in ClinVar:

NM_000485.3(APRT):c.322-1_322delinsAT

Gene: APRT (adenine phosphoribosyltransferase; minus strand). Cytogenetic location: 16q24.3.
Variant type: Indel.
Coding change: c.322-1_322delinsAT on transcript NM_000485.3 (MANE Select); the canonical splice acceptor site of the intron before coding-DNA position 322 through coding-DNA position 322, GG replaced by AT.
Molecular consequence: splice acceptor variant.
Genome position (GRCh38, 1-based): chr16:88,810,148-88,810,149, CC replaced by AT on the plus strand (GG replaced by AT on the coding strand, the reverse complement: APRT is on the minus strand). VCF-style: chr16-88810148-CC-AT. GRCh37 (hg19) VCF-style: chr16-88876556-CC-AT.
Other names: c.322-1_322delinsAT (NM_001030018.2).
Identifiers: ClinVar variation 1927273 (VCV001927273.5), dbSNP rs2508232295, ClinGen allele CA2580092222.

ClinVar aggregate classification (germline): Likely pathogenic (1 of 4 stars; one submission).

Submission:

Labcorp Genetics (formerly Invitae), Labcorp
Classification: Likely pathogenic. Last evaluated: 2023-08-14. Review status: criteria provided, single submitter. Criteria: Invitae Variant Classification Sherloc (09022015). Collection method: clinical testing. Allele origin: germline.
Comment: In summary, the currently available evidence indicates that the variant is pathogenic, but additional data are needed to prove that conclusively. Therefore, this variant has been classified as Likely Pathogenic. ClinVar contains an entry for this variant (Variation ID: 1927273). This variant has not been reported in the literature in individuals affected with APRT-related conditions. Information on the frequency of this variant in the gnomAD database is not available, as this variant may be reported differently in the database. This variant results in the deletion of a part of exon 4 (c.322-1_322delinsAT) of the APRT gene. It is expected to disrupt RNA splicing. Variants that disrupt the donor or acceptor splice site typically lead to a loss of protein function (PMID: 16199547), and loss-of-function variants in APRT are known to be pathogenic (PMID: 7685481, 20150536, 28717278).

Literature cited by the submitters: PubMed 16199547; PubMed 7685481; PubMed 20150536; PubMed 28717278.